The following is an entry in ClinVar:

NM_000304.4(PMP22):c.10C>T (p.Leu4=)

Gene: PMP22 (peripheral myelin protein 22; minus strand). Cytogenetic location: 17p12.
Variant type: single nucleotide variant.
Coding change: c.10C>T on transcript NM_000304.4 (MANE Select); coding-DNA position 10, C replaced by T.
Protein change: p.Leu4=; no amino-acid change (leucine 4 retained).
Molecular consequence: synonymous variant.
Genome position (GRCh38, 1-based): chr17:15,260,718, G>A on the plus strand (C>T on the coding strand, the complement: PMP22 is on the minus strand). VCF-style: chr17-15260718-G-A. GRCh37 (hg19) VCF-style: chr17-15164035-G-A.
Other names: c.10C>T, p.Leu4= (NM_001281455.2, NM_001281456.2, NM_001330143.2 and 2 more transcripts).
Identifiers: ClinVar variation 1711430 (VCV001711430.30), dbSNP rs867997682, ClinGen allele CA288109919.
Genomic context (GRCh38, chr17:15,260,718, plus strand): 5'-TCGTGGAGACGAACAGCAGCACCAGCACCGCGACGTGGAGGACGATGATACTCAGCAACA[G>A]GAGGAGCATTCTGGCGGCAAGTTCTGCTCAGCGGAGTTTCTGCCTGCGAGGAGAGCGCTG-3'
Protein context (NP_000295.1, residues 1-14): MLL[Leu4=]LLSIIVLHVA

ClinVar aggregate classification (germline): Likely benign (1 of 4 stars; one submission).

Allele frequency attached by ClinVar (database versions not stated): gnomAD exomes below 0.00001.
gnomAD v4.1: 3 of 1,553,168 alleles (0.00019%); highest among the groups gnomAD compares: Middle Eastern, 0.05%; no homozygotes.

Submission:

CeGaT Center for Human Genetics Tuebingen
Classification: Likely benign. Last evaluated: 2022-08-01. Review status: criteria provided, single submitter. Criteria: CeGaT Center For Human Genetics Tuebingen Variant Classification Criteria Version 2. Collection method: clinical testing. Allele origin: germline. Affected: yes. Observed: 1 variant allele.
Comment: PMP22: PM2:Supporting, BP4, BP7